The following is an entry in ClinVar:

ClinVar aggregate classification (germline): Uncertain significance. Review status: criteria provided, multiple submitters, no conflicts (2 of 4 stars). 2 submissions from 2 submitters: Uncertain significance (2). Last evaluated 2026-05-13.

Conditions:
Cystic fibrosis (CF). Also called: MUCOVISCIDOSIS. Identifiers: Orphanet 586, MedGen C0010674, MONDO:0009061, OMIM 219700. Disease mechanism: loss of function.

gnomAD v4.1: 1 of 1,613,770 alleles (0.000062%); highest among the groups gnomAD compares: Non-Finnish European, 0.000085%; no homozygotes.

Submissions (2):

Ambry Genetics
Classification: Uncertain significance for Cystic fibrosis. Last evaluated: 2026-05-13. Review status: criteria provided, single submitter. Criteria: Ambry Variant Classification Scheme 2023. Collection method: clinical testing. Allele origin: germline.
Comment: The p.L210F variant (also known as c.628C>T), located in coding exon 6 of the CFTR gene, results from a C to T substitution at nucleotide position 628. The leucine at codon 210 is replaced by phenylalanine, an amino acid with highly similar properties. This amino acid position is highly conserved in available vertebrate species. In addition, the in silico prediction for this alteration is inconclusive. Based on the available evidence, the clinical significance of this variant remains unclear.

Quest Diagnostics Nichols Institute San Juan Capistrano
Classification: Uncertain significance. Last evaluated: 2025-07-24. Review status: criteria provided, single submitter. Criteria: Quest Diagnostics criteria. Collection method: clinical testing. Allele origin: unknown.
Comment: The CFTR c.628C>T (p.Leu210Phe) variant has not been reported in individuals with CFTR-related conditions in the published literature. The frequency of this variant in the general population (Genome Aggregation Database) is uninformative in the assessment of its pathogenicity. Analysis of this variant using bioinformatics tools for the prediction of the effect of amino acid changes on protein structure and function yielded predictions that this variant is damaging. Based on the available information, we are unable to determine the clinical significance of this variant.

NM_000492.4(CFTR):c.628C>T (p.Leu210Phe)

Gene: CFTR (CF transmembrane conductance regulator; plus strand). Cytogenetic location: 7q31.2.
Variant type: single nucleotide variant.
Coding change: c.628C>T on transcript NM_000492.4 (MANE Select); coding-DNA position 628, C replaced by T.
Protein change: p.Leu210Phe; replaces leucine 210 with phenylalanine.
Molecular consequence: missense variant.
Genome position (GRCh38, 1-based): chr7:117,535,296, C>T. VCF-style: chr7-117535296-C-T. GRCh37 (hg19) VCF-style: chr7-117175350-C-T.
Other names: short protein forms L210F.
Identifiers: ClinVar variation 4532961 (VCV004532961.2).